The following is an entry in ClinVar:

NM_001267550.2(TTN):c.64270C>G (p.Leu21424Val)

Genes: TTN (titin; minus strand), TTN-AS1 (TTN antisense RNA 1; plus strand). Cytogenetic location: 2q31.2.
Variant type: single nucleotide variant.
Coding change: c.64270C>G on transcript NM_001267550.2 (MANE Select); coding-DNA position 64270, C replaced by G.
Protein change: p.Leu21424Val; replaces leucine 21424 with valine.
Molecular consequence: missense variant.
Genome position (GRCh38, 1-based): chr2:178,586,631, G>C on the plus strand (C>G on the coding strand, the complement: TTN is on the minus strand). VCF-style: chr2-178586631-G-C. GRCh37 (hg19) VCF-style: chr2-179451358-G-C.
Other names: c.59347C>G, p.Leu19783Val (NM_001256850.1); c.37075C>G, p.Leu12359Val (NM_003319.4); c.56566C>G, p.Leu18856Val (NM_133378.4); c.37450C>G, p.Leu12484Val (NM_133432.3); c.37651C>G, p.Leu12551Val (NM_133437.4); short protein forms L12359V, L12484V, L12551V, L18856V, L19783V, L21424V.
Identifiers: ClinVar variation 2631507 (VCV002631507.1), dbSNP rs1212941219, ClinGen allele CA349442212.
Genomic context (GRCh38, chr2:178,586,631, plus strand): 5'-TGGCCGCTACTCTAAATTTGTATTTCTTTCCTTCCTTTAGGCCAGTGACAACAAGGCTCA[G>C]ATCTTTTACCACTGAGTACTCTGTCCAGCGATCTGCAGGCTGCTCTTCTTCTCTGTAACT-3'
Protein context (NP_001254479.2, residues 21414-21434): RWTEYSVVKD[Leu21424Val]SLVVTGLKEG

ClinVar aggregate classification (germline): Uncertain significance (1 of 4 stars; one submission).

Conditions:
TTN-related disorder. Also called: TTN-related condition; TTN-related disease; TTN-related disorders.

Allele frequency attached by ClinVar (database versions not stated): gnomAD exomes below 0.00001.
gnomAD v4.1: 2 of 1,613,168 alleles (0.00012%); highest among the groups gnomAD compares: Non-Finnish European, 0.000085%; no homozygotes.

Submission:

PreventionGenetics, part of Exact Sciences
Classification: Uncertain significance for TTN-related condition. Last evaluated: 2023-06-27. Review status: criteria provided, single submitter. Criteria: ACMG Guidelines, 2015. Collection method: clinical testing. Allele origin: germline.
Comment: The TTN c.64270C>G variant is predicted to result in the amino acid substitution p.Leu21424Val. This variant may result in the creation of cryptic splice site according to available splicing in silico algorithms (Alamut Visual v.1.6.1). However such prediction programs are imperfect and should be interpreted with caution. To our knowledge, this variant has not been reported in the literature or in a large population database, indicating this variant is rare. At this time, the clinical significance of this variant is uncertain due to the absence of conclusive functional and genetic evidence.